The following is an entry in ClinVar:

ClinVar aggregate classification (germline): Uncertain significance (1 of 4 stars; one submission).

Conditions:
Inborn genetic diseases. Identifiers: MedGen C0950123, MeSH D030342.

Submission:

Ambry Genetics
Classification: Uncertain significance for Inborn genetic diseases. Last evaluated: 2025-02-14. Review status: criteria provided, single submitter. Criteria: Ambry Variant Classification Scheme 2023. Collection method: clinical testing. Allele origin: germline.
Comment: The p.C140Y variant (also known as c.419G>A), located in coding exon 4 of the CEP57 gene, results from a G to A substitution at nucleotide position 419. The cysteine at codon 140 is replaced by tyrosine, an amino acid with highly dissimilar properties. This amino acid position is conserved. In addition, the in silico prediction for this alteration is inconclusive. Based on the available evidence, the clinical significance of this variant remains unclear.

NM_014679.5(CEP57):c.419G>A (p.Cys140Tyr)

Gene: CEP57 (centrosomal protein 57; plus strand). Cytogenetic location: 11q21.
Variant type: single nucleotide variant.
Coding change: c.419G>A on transcript NM_014679.5 (MANE Select); coding-DNA position 419, G replaced by A.
Protein change: p.Cys140Tyr; replaces cysteine 140 with tyrosine.
Molecular consequence: missense variant.
Genome position (GRCh38, 1-based): chr11:95,813,504, G>A. VCF-style: chr11-95813504-G-A. GRCh37 (hg19) VCF-style: chr11-95546668-G-A.
Other names: c.392G>A, p.Cys131Tyr (NM_001243776.2); c.419G>A, p.Cys140Tyr (NM_001243777.2); c.338G>A, p.Cys113Tyr (NM_001363604.2); short protein forms C131Y, C140Y, C113Y.
Identifiers: ClinVar variation 3831994 (VCV003831994.1).